The following is an entry in ClinVar:

NM_000059.4(BRCA2):c.5365A>G (p.Lys1789Glu)

Gene: BRCA2 (BRCA2 DNA repair associated; plus strand). Cytogenetic location: 13q13.1.
Variant type: single nucleotide variant.
Coding change: c.5365A>G on transcript NM_000059.4 (MANE Select); coding-DNA position 5365, A replaced by G.
Protein change: p.Lys1789Glu; replaces lysine 1789 with glutamic acid.
Molecular consequence: missense variant.
Genome position (GRCh38, 1-based): chr13:32,339,720, A>G. VCF-style: chr13-32339720-A-G. GRCh37 (hg19) VCF-style: chr13-32913857-A-G.
Other names: short protein forms K1789E.
Identifiers: ClinVar variation 142108 (VCV000142108.21), dbSNP rs587782240, ClinGen allele CA022152.

ClinVar aggregate classification (germline): Conflicting classifications of pathogenicity. Review status: criteria provided, conflicting classifications (1 of 4 stars). 5 submissions from 5 submitters: Uncertain significance (3); Likely benign (2). Last evaluated 2025-09-24.

Conditions:
Hereditary cancer-predisposing syndrome. Also called: Neoplastic Syndromes, Hereditary; Tumor predisposition; Hereditary Cancer Syndrome; Hereditary neoplastic syndrome. Identifiers: Orphanet 140162, MedGen C0027672, MeSH D009386, MONDO:0015356.
Hereditary breast ovarian cancer syndrome. Also called: Breast and ovarian cancer; Hereditary breast and ovarian cancer; Hereditary breast and/or ovarian cancer syndrome; BRCA1- and BRCA2-Associated Hereditary Breast and Ovarian Cancer; Hereditary breast and ovarian cancer syndrome; Hereditary breast and ovarian cancer syndrome (HBOC). Identifiers: Orphanet 145, MedGen C0677776, MeSH D061325, MONDO:0003582. Disease mechanism: loss of function.

Submissions (5):

Labcorp Genetics (formerly Invitae), Labcorp
Classification: Uncertain significance for Hereditary breast ovarian cancer syndrome. Last evaluated: 2025-09-24. Review status: criteria provided, single submitter. Criteria: Invitae Variant Classification Sherloc (09022015). Collection method: clinical testing. Allele origin: germline.
Comment: This sequence change replaces lysine, which is basic and polar, with glutamic acid, which is acidic and polar, at codon 1789 of the BRCA2 protein (p.Lys1789Glu). This variant is not present in population databases (gnomAD no frequency). This variant has not been reported in the literature in individuals affected with BRCA2-related conditions. ClinVar contains an entry for this variant (Variation ID: 142108). Invitae Evidence Modeling of protein sequence and biophysical properties (such as structural, functional, and spatial information, amino acid conservation, physicochemical variation, residue mobility, and thermodynamic stability) indicates that this missense variant is not expected to disrupt BRCA2 protein function with a negative predictive value of 95%. In summary, the available evidence is currently insufficient to determine the role of this variant in disease. Therefore, it has been classified as a Variant of Uncertain Significance.

University of Washington Department of Laboratory Medicine, University of Washington
Classification: Likely benign for Hereditary cancer-predisposing syndrome. Last evaluated: 2023-03-23. Review status: criteria provided, single submitter. Criteria: Dines et al. (Genet Med. 2020). Collection method: curation. Allele origin: germline.
Comment: Missense variant in a coldspot region where missense variants are very unlikely to be pathogenic (PMID:31911673).

BRCA2 exon 11 coldspot. Reclassification based on statistical prior probability.

Women's Health and Genetics/Laboratory Corporation of America, LabCorp
Classification: Uncertain significance. Last evaluated: 2021-05-19. Review status: criteria provided, single submitter. Criteria: LabCorp Variant Classification Summary - May 2015. Collection method: clinical testing. Allele origin: germline.
Comment: Variant summary: BRCA2 c.5365A>G (p.Lys1789Glu) results in a conservative amino acid change in the encoded protein sequence. Five of five in-silico tools predict a benign effect of the variant on protein function. The variant was absent in 250938 control chromosomes (gnomAD). The available data on variant occurrences in the general population are insufficient to allow any conclusion about variant significance. To our knowledge, no occurrence of c.5365A>G in individuals affected with Hereditary Breast and Ovarian Cancer Syndrome and no experimental evidence demonstrating its impact on protein function have been reported. Three other ClinVar submitters (evaluation after 2014) cite the variant as uncertain significance (n=2) or likely benign (n=1). Based on the evidence outlined above, the variant was classified as uncertain significance.

Ambry Genetics
Classification: Likely benign for Hereditary cancer-predisposing syndrome. Last evaluated: 2019-03-29. Review status: criteria provided, single submitter. Criteria: Ambry Variant Classification Scheme 2023. Collection method: clinical testing. Allele origin: germline.

Color Diagnostics, LLC DBA Color Health
Classification: Uncertain significance for Hereditary cancer-predisposing syndrome. Last evaluated: 2019-01-24. Review status: criteria provided, single submitter. Criteria: ACMG Guidelines, 2015. Collection method: clinical testing. Allele origin: germline.

Literature cited by the submitters: PubMed 25348012 (cited by Women's Health and Genetics/Laboratory Corporation of America, LabCorp).